The following is an entry in ClinVar:

NM_002354.3(EPCAM):c.244G>A (p.Ala82Thr)

Gene: EPCAM (epithelial cell adhesion molecule; plus strand). Cytogenetic location: 2p21.
Variant type: single nucleotide variant.
Coding change: c.244G>A on transcript NM_002354.3 (MANE Select); coding-DNA position 244, G replaced by A.
Protein change: p.Ala82Thr; replaces alanine 82 with threonine.
Molecular consequence: missense variant.
Genome position (GRCh38, 1-based): chr2:47,373,867, G>A. VCF-style: chr2-47373867-G-A. GRCh37 (hg19) VCF-style: chr2-47601006-G-A.
Other names: short protein forms A82T.
Identifiers: ClinVar variation 1791467 (VCV001791467.3), dbSNP rs769626395, ClinGen allele CA1648935.
Genomic context (GRCh38, chr2:47,373,867, plus strand): 5'-GTGGCTGCCAAATGTTTGGTGATGAAGGCAGAAATGAATGGCTCAAAACTTGGGAGAAGA[G>A]CAAAACCTGAAGGGGCCCTCCAGAACAATGATGGGCTTTATGATCCTGACTGCGATGAGA-3'
Protein context (NP_002345.2, residues 72-92): EMNGSKLGRR[Ala82Thr]KPEGALQNND

ClinVar aggregate classification (germline): Uncertain significance (1 of 4 stars; one submission).

Conditions:
Hereditary cancer-predisposing syndrome. Also called: Hereditary Cancer Syndrome; Hereditary neoplastic syndrome; Tumor predisposition; Neoplastic Syndromes, Hereditary. Identifiers: Orphanet 140162, MedGen C0027672, MeSH D009386, MONDO:0015356.

Allele frequency attached by ClinVar (database versions not stated): TOPMed 0.00001; ExAC 0.00002.
gnomAD v4.1: 3 of 1,614,064 alleles (0.00019%); highest among the groups gnomAD compares: Admixed American, 0.005%; no homozygotes.

Submission:

Ambry Genetics
Classification: Uncertain significance for Hereditary cancer-predisposing syndrome. Last evaluated: 2025-05-29. Review status: criteria provided, single submitter. Criteria: Ambry Variant Classification Scheme 2023. Collection method: clinical testing. Allele origin: germline.
Comment: The p.A82T variant (also known as c.244G>A), located in coding exon 3 of the EPCAM gene, results from a G to A substitution at nucleotide position 244. The alanine at codon 82 is replaced by threonine, an amino acid with similar properties. This amino acid position is conserved. In addition, this alteration is predicted to be tolerated by in silico analysis. Since supporting evidence is limited at this time, the clinical significance of this alteration remains unclear.